The following is an entry in ClinVar:

ClinVar aggregate classification (germline): Uncertain significance (1 of 4 stars; one submission).

Conditions:
Spinocerebellar ataxia type 42. Identifiers: Orphanet 458803, MedGen C4225205, MONDO:0014776, OMIM 616795.

Submission:

Center for Human Genetics and Genomic Medicine, Uniklinik Rwth Aachen
Classification: Uncertain significance for Spinocerebellar ataxia type 42. Last evaluated: 2021-07-12. Review status: criteria provided, single submitter. Criteria: ACMG Guidelines, 2015. Collection method: clinical testing. Allele origin: germline. Inheritance: Autosomal dominant inheritance. Affected: yes. Observed: 4 variant alleles, 1 heterozygote.
Comment: The sequence variant NM_018896.4:c.532G>A, p.(Ala178Thr) in CACNA1G is absent from databases and has not been reported in the literature. It was found in 3 affected members in 2 generations in a family which was initially described as having CMT. There is no information on the exact clinical picture of the relatives. We therefore classified this variant as a "variant of uncertain significance".

NM_018896.5(CACNA1G):c.532G>A (p.Ala178Thr)

Gene: CACNA1G (calcium voltage-gated channel subunit alpha1 G; plus strand). Cytogenetic location: 17q21.33.
Variant type: single nucleotide variant.
Coding change: c.532G>A on transcript NM_018896.5 (MANE Select); coding-DNA position 532, G replaced by A.
Protein change: p.Ala178Thr; replaces alanine 178 with threonine.
Molecular consequence: missense variant. On other transcripts: non-coding transcript variant (5).
Genome position (GRCh38, 1-based): chr17:50,569,749, G>A. VCF-style: chr17-50569749-G-A. GRCh37 (hg19) VCF-style: chr17-48647110-G-A.
Other names: c.532G>A, p.Ala178Thr (NM_001256324.2, NM_001256325.2, NM_001256326.2 and 24 more transcripts); short protein forms A178T.
Identifiers: ClinVar variation 1184723 (VCV001184723.3), dbSNP rs2144657245, ClinGen allele CA400228570.